The following is an entry in ClinVar:

ClinVar aggregate classification (germline): Uncertain significance (1 of 4 stars; one submission).

Allele frequency attached by ClinVar (database versions not stated): gnomAD exomes below 0.00001.
gnomAD v4.1: 2 of 1,613,640 alleles (0.00012%); highest among the groups gnomAD compares: Non-Finnish European, 0.00017%; no homozygotes.

Submission:

Ambry Genetics
Classification: Uncertain significance. Last evaluated: 2023-02-15. Review status: criteria provided, single submitter. Criteria: Ambry Variant Classification Scheme 2023. Collection method: clinical testing. Allele origin: germline.
Comment: The p.G15R variant (also known as c.43G>A), located in coding exon 1 of the IDH1 gene, results from a G to A substitution at nucleotide position 43. The glycine at codon 15 is replaced by arginine, an amino acid with dissimilar properties. This amino acid position is conserved. In addition, this alteration is predicted to be deleterious by in silico analysis. Since supporting evidence is limited at this time, the clinical significance of this alteration remains unclear.

NM_005896.4(IDH1):c.43G>A (p.Gly15Arg)

Gene: IDH1 (isocitrate dehydrogenase (NADP(+)) 1; minus strand). Cytogenetic location: 2q34.
Variant type: single nucleotide variant.
Coding change: c.43G>A on transcript NM_005896.4 (MANE Select); coding-DNA position 43, G replaced by A.
Protein change: p.Gly15Arg; replaces glycine 15 with arginine.
Molecular consequence: missense variant.
Genome position (GRCh38, 1-based): chr2:208,251,509, C>T on the plus strand (G>A on the coding strand, the complement: IDH1 is on the minus strand). VCF-style: chr2-208251509-C-T. GRCh37 (hg19) VCF-style: chr2-209116233-C-T.
Other names: c.43G>A, p.Gly15Arg (NM_001282386.1, NM_001282387.1); short protein forms G15R.
Identifiers: ClinVar variation 2491927 (VCV002491927.2), dbSNP rs2124868302, ClinGen allele CA350103150.
Genomic context (GRCh38, chr2:208,251,509, plus strand): 5'-CGTAGGGAAAAATGAGTTTCTCTTTAATCAATTCCCAAATGATTCGTGTCATTTCATCTC[C>T]TTGCATCTCTACCACAGAACCGCCACTGATTTTTTTGGACATTTTGACTTCAATAAACCT-3'
Protein context (NP_005887.2, residues 5-25): ISGGSVVEMQ[Gly15Arg]DEMTRIIWEL